The following is an entry in ClinVar:

ClinVar aggregate classification (germline): Uncertain significance (1 of 4 stars; one submission).

Allele frequency attached by ClinVar (database versions not stated): gnomAD exomes below 0.00001.
gnomAD v4.1: 1 of 1,613,854 alleles (0.000062%); highest among the groups gnomAD compares: Non-Finnish European, 0.000085%; no homozygotes.

Submission:

Labcorp Genetics (formerly Invitae), Labcorp
Classification: Uncertain significance. Last evaluated: 2024-10-26. Review status: criteria provided, single submitter. Criteria: Invitae Variant Classification Sherloc (09022015). Collection method: clinical testing. Allele origin: germline.
Comment: This sequence change replaces phenylalanine, which is neutral and non-polar, with tyrosine, which is neutral and polar, at codon 718 of the ABCA4 protein (p.Phe718Tyr). This variant is not present in population databases (gnomAD no frequency). This variant has not been reported in the literature in individuals affected with ABCA4-related conditions. ClinVar contains an entry for this variant (Variation ID: 1905281). Invitae Evidence Modeling of protein sequence and biophysical properties (such as structural, functional, and spatial information, amino acid conservation, physicochemical variation, residue mobility, and thermodynamic stability) has been performed for this missense variant. However, the output from this modeling did not meet the statistical confidence thresholds required to predict the impact of this variant on ABCA4 protein function. In summary, the available evidence is currently insufficient to determine the role of this variant in disease. Therefore, it has been classified as a Variant of Uncertain Significance.

NM_000350.3(ABCA4):c.2153T>A (p.Phe718Tyr)

Gene: ABCA4 (ATP binding cassette subfamily A member 4; minus strand). Cytogenetic location: 1p22.1.
Variant type: single nucleotide variant.
Coding change: c.2153T>A on transcript NM_000350.3 (MANE Select); coding-DNA position 2153, T replaced by A.
Protein change: p.Phe718Tyr; replaces phenylalanine 718 with tyrosine.
Molecular consequence: missense variant.
Genome position (GRCh38, 1-based): chr1:94,060,544, A>T on the plus strand (T>A on the coding strand, the complement: ABCA4 is on the minus strand). VCF-style: chr1-94060544-A-T. GRCh37 (hg19) VCF-style: chr1-94526100-A-T.
Other names: c.2153T>A, p.Phe718Tyr (NM_001425324.1); short protein forms F718Y.
Identifiers: ClinVar variation 1905281 (VCV001905281.5), dbSNP rs2523832177, ClinGen allele CA341278425.